The following is an entry in ClinVar:

NM_015346.4(ZFYVE26):c.4302A>T (p.Glu1434Asp)

Gene: ZFYVE26 (zinc finger FYVE-type containing 26; minus strand). Cytogenetic location: 14q24.1.
Variant type: single nucleotide variant.
Coding change: c.4302A>T on transcript NM_015346.4 (MANE Select); coding-DNA position 4302, A replaced by T.
Protein change: p.Glu1434Asp; replaces glutamic acid 1434 with aspartic acid.
Molecular consequence: missense variant.
Genome position (GRCh38, 1-based): chr14:67,782,850, T>A on the plus strand (A>T on the coding strand, the complement: ZFYVE26 is on the minus strand). VCF-style: chr14-67782850-T-A. GRCh37 (hg19) VCF-style: chr14-68249567-T-A.
Other names: short protein forms E1434D.
Identifiers: ClinVar variation 1940561 (VCV001940561.5), dbSNP rs749081587, ClinGen allele CA390170202.

ClinVar aggregate classification (germline): Uncertain significance (1 of 4 stars; one submission).

Conditions:
Spastic paraplegia. Identifiers: MedGen C0037772, HP:0001258.

Allele frequency attached by ClinVar (database versions not stated): TOPMed below 0.00001.

Submission:

Labcorp Genetics (formerly Invitae), Labcorp
Classification: Uncertain significance for Spastic paraplegia. Last evaluated: 2022-08-08. Review status: criteria provided, single submitter. Criteria: Invitae Variant Classification Sherloc (09022015). Collection method: clinical testing. Allele origin: germline.
Comment: This sequence change replaces glutamic acid, which is acidic and polar, with aspartic acid, which is acidic and polar, at codon 1434 of the ZFYVE26 protein (p.Glu1434Asp). This variant is not present in population databases (gnomAD no frequency). This variant has not been reported in the literature in individuals affected with ZFYVE26-related conditions. Algorithms developed to predict the effect of missense changes on protein structure and function output the following: SIFT: "Tolerated"; PolyPhen-2: "Benign"; Align-GVGD: "Class C0". The aspartic acid amino acid residue is found in multiple mammalian species, which suggests that this missense change does not adversely affect protein function. In summary, the available evidence is currently insufficient to determine the role of this variant in disease. Therefore, it has been classified as a Variant of Uncertain Significance.